The following is an entry in ClinVar:

ClinVar aggregate classification (germline): Likely benign. Review status: criteria provided, multiple submitters, no conflicts (2 of 4 stars). 2 submissions from 2 submitters: Likely benign (2). Last evaluated 2025-06-17.

Allele frequency attached by ClinVar (database versions not stated): ExAC 0.00001; gnomAD 0.00001; gnomAD exomes 0.00001; TOPMed 0.00001.

Submissions (2):

Mayo Clinic Laboratories, Mayo Clinic
Classification: Likely benign. Last evaluated: 2025-06-17. Review status: criteria provided, single submitter. Criteria: ACMG Guidelines, 2015. Collection method: clinical testing. Allele origin: germline. Observed: 2 variant alleles.
Comment: PM2_supporting

Labcorp Genetics (formerly Invitae), Labcorp
Classification: Likely benign. Last evaluated: 2023-11-19. Review status: criteria provided, single submitter. Criteria: Invitae Variant Classification Sherloc (09022015). Collection method: clinical testing. Allele origin: germline.

NM_000476.3(AK1):c.450G>A (p.Leu150=)

Genes: AK1 (adenylate kinase 1; minus strand), ST6GALNAC4-ST6GALNAC6-AK1 (ST6GALNAC4-ST6GALNAC6-AK1 readthrough; minus strand). Cytogenetic location: 9q34.11.
Variant type: single nucleotide variant.
Coding change: c.450G>A on transcript NM_000476.3 (MANE Select); coding-DNA position 450, G replaced by A.
Protein change: p.Leu150=; no amino-acid change (leucine 150 retained).
Molecular consequence: synonymous variant. On other transcripts: non-coding transcript variant (8).
Genome position (GRCh38, 1-based): chr9:127,868,387, C>T on the plus strand (G>A on the coding strand, the complement: AK1 is on the minus strand). VCF-style: chr9-127868387-C-T. GRCh37 (hg19) VCF-style: chr9-130630666-C-T.
Other names: p.Leu150=; c.450G>A, p.Leu150= (NM_001318121.1); c.498G>A, p.Leu166= (NM_001318122.2); c.450G>A (NM_000476.2).
Identifiers: ClinVar variation 2886526 (VCV002886526.4), dbSNP rs770141221, ClinGen allele CA5253340.